The following is an entry in ClinVar:

ClinVar aggregate classification (germline): Pathogenic/Likely pathogenic. Review status: criteria provided, multiple submitters, no conflicts (2 of 4 stars). 3 submissions from 3 submitters: Pathogenic (1); Likely pathogenic (2). Last evaluated 2026-01-14.

Conditions:
Hereditary factor IX deficiency disease (HEMB). Also called: Christmas Disease; PLASMA THROMBOPLASTIN COMPONENT DEFICIENCY; Hemophilia B; F9 DEFICIENCY; FACTOR IX DEFICIENCY. Identifiers: Orphanet 98879, MedGen C0008533, MeSH D002836, MONDO:0010604, OMIM 306900.
Thrombophilia, X-linked, due to factor 9 defect. Identifiers: MedGen C2749016, MONDO:0010432, OMIM 300807.

Submissions (3):

Variantyx, Inc.
Classification: Likely pathogenic for Hereditary factor IX deficiency disease. Last evaluated: 2026-01-14. Review status: criteria provided, single submitter. Criteria: Variantyx Assertion Criteria 2022. Collection method: clinical testing. Allele origin: maternal. Inheritance: X-linked recessive inheritance.
Comment: This is a canonical splicing variant in the F9 gene (OMIM: 300746). Pathogenic variants in this gene have been associated with X-linked hemophilia B. This splicing variant is expected to result in loss of function, which is a known disease mechanism for F9 in this disorder (PMID: 20301668). Other variants that disrupt this splice site have been reported in affected individuals (PMID:8217825, 10090477) (PVS1). This variant is absent from control populations (PM2). Based on the current evidence, this variant is classified as likely pathogenic for X-linked hemophilia B.

Natera, Inc.
Classification: Likely pathogenic for Hemophilia B. Last evaluated: 2025-10-14. Review status: criteria provided, single submitter. Criteria: Natera Variant Classification Schema (03/2026). Collection method: clinical testing. Allele origin: germline.
Comment: The c.838+1_838+16del variant in F9 is a canonical splice donor site variant predicted to affect pre-mRNA splicing, which may result in an abnormal transcript and altered protein product. This variant is expected to result in nonsense mediated decay, truncation, or a dysfunctional protein product. This variant is rare in the general population with a frequency below the threshold expected for the associated phenotype(s). Given the available evidence, this variant is classified as Likely Pathogenic.

Labcorp Genetics (formerly Invitae), Labcorp
Classification: Pathogenic for Thrombophilia, X-linked, due to factor 9 defect; Hereditary factor IX deficiency disease. Last evaluated: 2024-01-11. Review status: criteria provided, single submitter. Criteria: Invitae Variant Classification Sherloc (09022015). Collection method: clinical testing. Allele origin: germline.
Comment: This sequence change affects a splice site in intron 7 of the F9 gene. While this variant is not anticipated to result in nonsense mediated decay, it likely alters RNA splicing and results in a disrupted protein product. This variant is not present in population databases (gnomAD no frequency). Disruption of this splice site has been observed in individuals with hemophilia B (PMID: 8217825, 10090477). ClinVar contains an entry for this variant (Variation ID: 1398268). Variants that disrupt the consensus splice site are a relatively common cause of aberrant splicing (PMID: 17576681, 9536098). This variant disrupts a region of the F9 protein in which other variant(s) (p.Arg379*) have been determined to be pathogenic (PMID: 1969838, 8091381, 22544209, 31026269). This suggests that this is a clinically significant region of the protein, and that variants that disrupt it are likely to be disease-causing. For these reasons, this variant has been classified as Pathogenic.

Literature cited by the submitters: PubMed 20301668 (cited by Variantyx, Inc.); PubMed 8217825 (cited by Variantyx, Inc. and Labcorp Genetics (formerly Invitae), Labcorp); PubMed 10090477 (cited by Variantyx, Inc. and Labcorp Genetics (formerly Invitae), Labcorp); PubMed 17576681 (cited by Labcorp Genetics (formerly Invitae), Labcorp); PubMed 9536098 (cited by Labcorp Genetics (formerly Invitae), Labcorp); PubMed 1969838 (cited by Labcorp Genetics (formerly Invitae), Labcorp); PubMed 8091381 (cited by Labcorp Genetics (formerly Invitae), Labcorp); PubMed 22544209 (cited by Labcorp Genetics (formerly Invitae), Labcorp); PubMed 31026269 (cited by Labcorp Genetics (formerly Invitae), Labcorp).

NM_000133.4(F9):c.838+1_838+16del

Gene: F9 (coagulation factor IX; plus strand). Cytogenetic location: Xq27.1.
Variant type: Deletion.
Coding change: c.838+1_838+16del on transcript NM_000133.4 (MANE Select); the canonical splice donor site of the intron after coding-DNA position 838 through 16 bases into the intron after coding-DNA position 838, 16 bases deleted (GTAAATACACAGAAAG).
Molecular consequence: splice donor variant.
Genome position (GRCh38, 1-based): chrX:139,560,856-139,560,871, GTAAATACACAGAAAG deleted; deleting any 16 consecutive bases within chrX:139,560,854-139,560,871 gives the same sequence; the c. name uses the placement nearest the transcript's 3' end. VCF-style (leftmost placement, unchanged base first): chrX-139560853-CAGGTAAATACACAGAA-C. GRCh37 (hg19) VCF-style: chrX-138643012-CAGGTAAATACACAGAA-C.
Other names: c.838+1_838+16delGTAAATACACAGAAAG (NM_000133.4); c.724+1_724+16del (NM_001313913.2); c.838+1_838+16del (NM_000133.3).
Identifiers: ClinVar variation 1398268 (VCV001398268.9), dbSNP rs2148367304, ClinGen allele CA2573159301.